The following is an entry in ClinVar:

NM_000540.3(RYR1):c.14024A>G (p.Glu4675Gly)

Gene: RYR1 (ryanodine receptor 1; plus strand). Cytogenetic location: 19q13.2.
Variant type: single nucleotide variant.
Coding change: c.14024A>G on transcript NM_000540.3 (MANE Select); coding-DNA position 14024, A replaced by G.
Protein change: p.Glu4675Gly; replaces glutamic acid 4675 with glycine.
Molecular consequence: missense variant.
Genome position (GRCh38, 1-based): chr19:38,573,202, A>G. VCF-style: chr19-38573202-A-G. GRCh37 (hg19) VCF-style: chr19-39063842-A-G.
Other names: c.14009A>G, p.Glu4670Gly (NM_001042723.2); short protein forms E4670G, E4675G.
Identifiers: ClinVar variation 4077338 (VCV004077338.2).

ClinVar aggregate classification (germline): Uncertain significance (1 of 4 stars; one submission).

Submission:

GeneDx
Classification: Uncertain significance. Last evaluated: 2026-05-22. Review status: criteria provided, single submitter. Criteria: GeneDx Variant Classification Process June 2021. Collection method: clinical testing. Allele origin: germline.
Comment: Not observed at significant frequency in large population cohorts (gnomAD); In silico analysis supports that this missense variant has a deleterious effect on protein structure/function; Has not been previously published as pathogenic or benign to our knowledge; This variant is associated with the following publications: (PMID: 20681998, 33767344)